The following is an entry in ClinVar:

NM_005732.4(RAD50):c.2438C>T (p.Ala813Val)

Gene: RAD50 (RAD50 double strand break repair protein; plus strand). Cytogenetic location: 5q31.1.
Variant type: single nucleotide variant.
Coding change: c.2438C>T on transcript NM_005732.4 (MANE Select); coding-DNA position 2438, C replaced by T.
Protein change: p.Ala813Val; replaces alanine 813 with valine.
Molecular consequence: missense variant.
Genome position (GRCh38, 1-based): chr5:132,603,960, C>T. VCF-style: chr5-132603960-C-T. GRCh37 (hg19) VCF-style: chr5-131939652-C-T.
Other names: short protein forms A813V.
Identifiers: ClinVar variation 480400 (VCV000480400.12), dbSNP rs1554099150, ClinGen allele CA360955498.

ClinVar aggregate classification (germline): Uncertain significance. Review status: criteria provided, multiple submitters, no conflicts (2 of 4 stars). 2 submissions from 2 submitters: Uncertain significance (2). Last evaluated 2025-03-17.

Conditions:
Hereditary cancer-predisposing syndrome. Also called: Hereditary Cancer Syndrome; Neoplastic Syndromes, Hereditary; Tumor predisposition; Hereditary neoplastic syndrome. Identifiers: Orphanet 140162, MedGen C0027672, MeSH D009386, MONDO:0015356.

Submissions (2):

Labcorp Genetics (formerly Invitae), Labcorp
Classification: Uncertain significance for Hereditary cancer-predisposing syndrome. Last evaluated: 2025-03-17. Review status: criteria provided, single submitter. Criteria: Invitae Variant Classification Sherloc (09022015). Collection method: clinical testing. Allele origin: germline.
Comment: This sequence change replaces alanine, which is neutral and non-polar, with valine, which is neutral and non-polar, at codon 813 of the RAD50 protein (p.Ala813Val). This variant is not present in population databases (gnomAD no frequency). This variant has not been reported in the literature in individuals affected with RAD50-related conditions. ClinVar contains an entry for this variant (Variation ID: 480400). Invitae Evidence Modeling of protein sequence and biophysical properties (such as structural, functional, and spatial information, amino acid conservation, physicochemical variation, residue mobility, and thermodynamic stability) indicates that this missense variant is not expected to disrupt RAD50 protein function with a negative predictive value of 80%. In summary, the available evidence is currently insufficient to determine the role of this variant in disease. Therefore, it has been classified as a Variant of Uncertain Significance.

Ambry Genetics
Classification: Uncertain significance for Hereditary cancer-predisposing syndrome. Last evaluated: 2024-12-12. Review status: criteria provided, single submitter. Criteria: Ambry Variant Classification Scheme 2023. Collection method: clinical testing. Allele origin: germline.
Comment: The p.A813V variant (also known as c.2438C>T), located in coding exon 15 of the RAD50 gene, results from a C to T substitution at nucleotide position 2438. The alanine at codon 813 is replaced by valine, an amino acid with similar properties. This amino acid position is well conserved in available vertebrate species. In addition, this alteration is predicted to be tolerated by in silico analysis. Since supporting evidence is limited at this time, the clinical significance of this alteration remains unclear.